The following is an entry in ClinVar:

NM_017641.3(KIF21A):c.-411G>A

Gene: KIF21A (kinesin family member 21A; minus strand). Cytogenetic location: 12q12.
Variant type: single nucleotide variant.
Coding change: c.-411G>A on transcript NM_017641.3; 411 bases upstream of the start codon, G replaced by A.
Genome position (GRCh38, 1-based): chr12:39,443,381, C>T on the plus strand (G>A on the coding strand, the complement: KIF21A is on the minus strand). VCF-style: chr12-39443381-C-T. GRCh37 (hg19) VCF-style: chr12-39837183-C-T.
Identifiers: ClinVar variation 308608 (VCV000308608.7), dbSNP rs145372857, ClinGen allele CA10637349.

ClinVar aggregate classification (germline): Benign (1 of 4 stars; one submission).

Conditions:
Congenital fibrosis of extraocular muscles type 1. Also called: FEOM1 LOCUS; OPHTHALMOPLEGIA, CONGENITAL; CFEOM3B; BLEPHAROPTOSIS WITH ABSENT EYE MOVEMENTS. Identifiers: MedGen C1851102, MONDO:0021083, OMIM 135700.

Allele frequency attached by ClinVar (database versions not stated): gnomAD exomes 0.00037; TOPMed 0.00500; 1000 Genomes Project 30x 0.00718; 1000 Genomes Project 0.00759.

Submission:

Illumina Laboratory Services, Illumina
Classification: Benign for Congenital fibrosis of extraocular muscles type 1. Last evaluated: 2018-01-12. Review status: criteria provided, single submitter. Criteria: ICSL Variant Classification Criteria 13 December 2019. Collection method: clinical testing. Allele origin: germline.
Comment: This variant was observed in the ICSL laboratory as part of a predisposition screen in an ostensibly healthy population. It had not been previously curated by ICSL or reported in the Human Gene Mutation Database (HGMD: prior to June 1st, 2018), and was therefore a candidate for classification through an automated scoring system. Utilizing variant allele frequency, disease prevalence and penetrance estimates, and inheritance mode, an automated score was calculated to assess if this variant is too frequent to cause the disease. Based on the score and internal cut-off values, a variant classified as benign is not then subjected to further curation. The score for this variant resulted in a classification of benign for this disease.